The following is an entry in ClinVar:

ClinVar aggregate classification (germline): Uncertain significance. Review status: criteria provided, multiple submitters, no conflicts (2 of 4 stars). 2 submissions from 2 submitters: Uncertain significance (2). Last evaluated 2025-09-16.

Conditions:
Hereditary cancer-predisposing syndrome. Also called: Tumor predisposition; Neoplastic Syndromes, Hereditary; Hereditary Cancer Syndrome; Hereditary neoplastic syndrome. Identifiers: Orphanet 140162, MedGen C0027672, MeSH D009386, MONDO:0015356.
Tumor predisposition syndrome 3 (TPDS3). Also called: Melanoma, cutaneous malignant, susceptibility to, 10; Glioma susceptibility 9; LONG TELOMERE SYNDROME, POT1-RELATED; POT1 Tumor Predisposition. Identifiers: Orphanet 618, MedGen C4014476, MONDO:0014368, OMIM 615848.

Submissions (2):

Labcorp Genetics (formerly Invitae), Labcorp
Classification: Uncertain significance for Tumor predisposition syndrome 3. Last evaluated: 2025-09-16. Review status: criteria provided, single submitter. Criteria: Invitae Variant Classification Sherloc (09022015). Collection method: clinical testing. Allele origin: germline.
Comment: This sequence change affects codon 285 of the POT1 mRNA. It is a 'silent' change, meaning that it does not change the encoded amino acid sequence of the POT1 protein. This variant is not present in population databases (gnomAD no frequency). This variant has not been reported in the literature in individuals affected with POT1-related conditions. Studies have shown that this variant is associated with inconclusive levels of altered splicing (interal data). In summary, the available evidence is currently insufficient to determine the role of this variant in disease. Therefore, it has been classified as a Variant of Uncertain Significance.

Ambry Genetics
Classification: Uncertain significance for Hereditary cancer-predisposing syndrome. Last evaluated: 2025-07-14. Review status: criteria provided, single submitter. Criteria: Ambry Variant Classification Scheme 2023. Collection method: clinical testing. Allele origin: germline.
Comment: The c.855G>A variant (also known as p.V285V), located in coding exon 6 of the POT1 gene, results from a G to A substitution at nucleotide position 855. This nucleotide substitution does not change the valine at codon 285. This nucleotide position is not well conserved in available vertebrate species. In silico splice site analysis predicts that this alteration may weaken the native splice donor site; however, direct evidence is insufficient at this time (Ambry internal data). Based on the available evidence, the clinical significance of this variant remains unclear.

NM_015450.3(POT1):c.855G>A (p.Val285=)

Gene: POT1 (protection of telomeres 1; minus strand). Cytogenetic location: 7q31.33.
Variant type: single nucleotide variant.
Coding change: c.855G>A on transcript NM_015450.3 (MANE Select); coding-DNA position 855, G replaced by A.
Protein change: p.Val285=; no amino-acid change (valine 285 retained).
Molecular consequence: synonymous variant. On other transcripts: non-coding transcript variant (3).
Genome position (GRCh38, 1-based): chr7:124,852,986, C>T on the plus strand (G>A on the coding strand, the complement: POT1 is on the minus strand). VCF-style: chr7-124852986-C-T. GRCh37 (hg19) VCF-style: chr7-124493040-C-T.
Other names: c.462G>A, p.Val154= (NM_001042594.2).
Identifiers: ClinVar variation 4141916 (VCV004141916.2).